The following is an entry in ClinVar:

NM_017763.6(RNF43):c.253-2A>C

Gene: RNF43 (ring finger protein 43; minus strand). Cytogenetic location: 17q22.
Variant type: single nucleotide variant.
Coding change: c.253-2A>C on transcript NM_017763.6 (MANE Select); the canonical splice acceptor site of the intron before coding-DNA position 253, A replaced by C.
Molecular consequence: splice acceptor variant.
Genome position (GRCh38, 1-based): chr17:58,371,035, T>G on the plus strand (A>C on the coding strand, the complement: RNF43 is on the minus strand). VCF-style: chr17-58371035-T-G. GRCh37 (hg19) VCF-style: chr17-56448396-T-G.
Other names: c.253-2A>C (NM_001438822.1, NM_001305544.3, NM_001438820.1 and 1 more transcripts); c.-129-2A>C (NM_001305545.2, NM_001437987.1).
Identifiers: ClinVar variation 4812957 (VCV004812957.1).
Genomic context (GRCh38, chr17:58,371,035, plus strand): 5'-ATGAATCCAGGCTCCAGATTGTCGTCATCACTGGCATTGCACAGGTACAGCGGGTGGGAC[T>G]GCAGAGAGAGACAGACTTGGGTTAGGGAGGCTTTAGGCAGCAGGAGTGAGCTGTGAGAGC-3'

ClinVar aggregate classification (germline): Likely pathogenic (1 of 4 stars; one submission).

Conditions:
Sessile serrated polyposis cancer syndrome (SSPCS). Identifiers: Orphanet 157798, MedGen C4310714, MONDO:0014919, OMIM 617108.

Submission:

Myriad Genetics, Inc.
Classification: Likely pathogenic for Sessile serrated polyposis cancer syndrome. Last evaluated: 2025-12-12. Review status: criteria provided, single submitter. Criteria: Myriad Autosomal Dominant, Autosomal Recessive and X-Linked Classification Criteria (2023). Collection method: clinical testing. Allele origin: unknown.
Comment: This variant is considered likely pathogenic. This variant occurs within a consensus splice junction and is predicted to result in abnormal mRNA splicing of either an out-of-frame exon or an in-frame exon necessary for protein stability and/or normal function.